The following is an entry in ClinVar:

NM_001378454.1(ALMS1):c.12409A>T (p.Lys4137Ter)

Gene: ALMS1 (ALMS1 centrosome and basal body associated protein; plus strand). Cytogenetic location: 2p13.1.
Variant type: single nucleotide variant.
Coding change: c.12409A>T on transcript NM_001378454.1 (MANE Select); coding-DNA position 12409, A replaced by T.
Protein change: p.Lys4137Ter; replaces lysine 4137 with a stop codon.
Molecular consequence: nonsense.
Genome position (GRCh38, 1-based): chr2:73,608,521, A>T. VCF-style: chr2-73608521-A-T. GRCh37 (hg19) VCF-style: chr2-73835648-A-T.
Other names: c.12412A>T, p.Lys4138Ter (NM_015120.4); short protein forms K4137*, K4138*.
Identifiers: ClinVar variation 2706721 (VCV002706721.3), dbSNP rs2466540891, ClinGen allele CA347274922.

ClinVar aggregate classification (germline): Pathogenic (1 of 4 stars; one submission).

Conditions:
Alstrom syndrome (ALMS). Identifiers: Orphanet 64, MedGen C0268425, MONDO:0008763, OMIM 203800.

Submission:

Labcorp Genetics (formerly Invitae), Labcorp
Classification: Pathogenic for Alstrom syndrome. Last evaluated: 2023-12-31. Review status: criteria provided, single submitter. Criteria: Invitae Variant Classification Sherloc (09022015). Collection method: clinical testing. Allele origin: germline.
Comment: This sequence change creates a premature translational stop signal (p.Lys4138*) in the ALMS1 gene. It is expected to result in an absent or disrupted protein product. Loss-of-function variants in ALMS1 are known to be pathogenic (PMID: 17594715). This variant is not present in population databases (gnomAD no frequency). This variant has not been reported in the literature in individuals affected with ALMS1-related conditions. For these reasons, this variant has been classified as Pathogenic.

Literature cited by the submitters: PubMed 17594715.